The following is an entry in ClinVar:

ClinVar aggregate classification (germline): Likely pathogenic (1 of 4 stars; one submission).

Submission:

GeneDx
Classification: Likely pathogenic. Last evaluated: 2024-01-04. Review status: criteria provided, single submitter. Criteria: GeneDx Variant Classification Process June 2021. Collection method: clinical testing. Allele origin: germline.
Comment: Not observed at significant frequency in large population cohorts (gnomAD); In silico analysis supports that this missense variant has a deleterious effect on protein structure/function; Has not been previously published as pathogenic or benign to our knowledge

NM_001291415.2(KDM6A):c.298G>A (p.Gly100Ser)

Gene: KDM6A (lysine demethylase 6A; plus strand). Cytogenetic location: Xp11.3.
Variant type: single nucleotide variant.
Coding change: c.298G>A on transcript NM_001291415.2 (MANE Select); coding-DNA position 298, G replaced by A.
Protein change: p.Gly100Ser; replaces glycine 100 with serine.
Molecular consequence: missense variant. On other transcripts: 5 prime UTR variant (1), non-coding transcript variant (1).
Genome position (GRCh38, 1-based): chrX:44,961,356, G>A. VCF-style: chrX-44961356-G-A. GRCh37 (hg19) VCF-style: chrX-44820601-G-A.
Other names: c.298G>A, p.Gly100Ser (NM_001291416.2, NM_001291417.2, NM_001291418.2 and 1 more transcripts); c.-335G>A (NM_001291421.2); short protein forms G100S.
Identifiers: ClinVar variation 1699772 (VCV001699772.3), dbSNP rs2147169831, ClinGen allele CA413021073.